The following is an entry in ClinVar:

ClinVar aggregate classification (germline): Uncertain significance. Review status: criteria provided, multiple submitters, no conflicts (2 of 4 stars). 2 submissions from 2 submitters: Uncertain significance (2). Last evaluated 2024-01-29.

Conditions:
Alagille syndrome due to a JAG1 point mutation. Also called: Alagille Syndrome 1; HEPATIC DUCTULAR HYPOPLASIA, SYNDROMATIC; JAG1-Related Alagille Syndrome. Identifiers: Orphanet 261619, Orphanet 52, MedGen C1956125, MONDO:0016862, OMIM 118450.
JAG1-related disorder. Also called: JAG1-related disorders; JAG1-related condition.

Allele frequency attached by ClinVar (database versions not stated): TOPMed 0.00001.

Submissions (2):

Labcorp Genetics (formerly Invitae), Labcorp
Classification: Uncertain significance for Alagille syndrome due to a JAG1 point mutation. Last evaluated: 2024-01-29. Review status: criteria provided, single submitter. Criteria: Invitae Variant Classification Sherloc (09022015). Collection method: clinical testing. Allele origin: germline.
Comment: This sequence change replaces glutamine, which is neutral and polar, with arginine, which is basic and polar, at codon 457 of the JAG1 protein (p.Gln457Arg). This variant is not present in population databases (gnomAD no frequency). This variant has not been reported in the literature in individuals affected with JAG1-related conditions. ClinVar contains an entry for this variant (Variation ID: 2628879). Advanced modeling of protein sequence and biophysical properties (such as structural, functional, and spatial information, amino acid conservation, physicochemical variation, residue mobility, and thermodynamic stability) has been performed at Invitae for this missense variant, however the output from this modeling did not meet the statistical confidence thresholds required to predict the impact of this variant on JAG1 protein function. In summary, the available evidence is currently insufficient to determine the role of this variant in disease. Therefore, it has been classified as a Variant of Uncertain Significance.

PreventionGenetics, part of Exact Sciences
Classification: Uncertain significance for JAG1-related condition. Last evaluated: 2022-11-22. Review status: criteria provided, single submitter. Criteria: ACMG Guidelines, 2015. Collection method: clinical testing. Allele origin: germline.
Comment: The JAG1 c.1370A>G variant is predicted to result in the amino acid substitution p.Gln457Arg. To our knowledge, this variant has not been reported in the literature or in a large population database, indicating this variant is rare. At this time, the clinical significance of this variant is uncertain due to the absence of conclusive functional and genetic evidence.

NM_000214.3(JAG1):c.1370A>G (p.Gln457Arg)

Gene: JAG1 (jagged canonical Notch ligand 1; minus strand). Cytogenetic location: 20p12.2.
Variant type: single nucleotide variant.
Coding change: c.1370A>G on transcript NM_000214.3 (MANE Select); coding-DNA position 1370, A replaced by G.
Protein change: p.Gln457Arg; replaces glutamine 457 with arginine.
Molecular consequence: missense variant.
Genome position (GRCh38, 1-based): chr20:10,649,086, T>C on the plus strand (A>G on the coding strand, the complement: JAG1 is on the minus strand). VCF-style: chr20-10649086-T-C. GRCh37 (hg19) VCF-style: chr20-10629734-T-C.
Other names: short protein forms Q457R.
Identifiers: ClinVar variation 2628879 (VCV002628879.4), dbSNP rs1458033263, ClinGen allele CA408238017.